The following is an entry in ClinVar:

NM_133379.5(TTN):c.10443del (p.Lys3481fs)

Gene: TTN (titin; minus strand). Cytogenetic location: 2q31.2.
Variant type: Deletion.
Coding change: c.10443del on transcript NM_133379.5; coding-DNA position 10443, one base deleted (A; older notation c.10443delA).
Protein change: p.Lys3481fs; shifts the reading frame from lysine 3481.
Molecular consequence: frameshift variant. On other transcripts: intron variant (6).
Genome position (GRCh38, 1-based): chr2:178,751,957, T deleted on the plus strand (A on the coding strand, the reverse complement: TTN is on the minus strand); the first of 3 consecutive T bases (chr2:178,751,957-178,751,959); deleting any one gives the same sequence. VCF-style (leftmost placement, unchanged base first): chr2-178751956-AT-A. GRCh37 (hg19) VCF-style: chr2-179616683-AT-A.
Other names: c.10443del (LRG_391t2); c.10222+1167del (NM_003319.4); c.10798+1167del (NM_133437.4); c.10597+1167del (NM_133432.3); c.10360+1167del (NM_133378.4, NM_001256850.1); c.11311+1167del (NM_001267550.2); short protein forms K3481fs.
Identifiers: ClinVar variation 223262 (VCV000223262.1), dbSNP rs869312096, ClinGen allele CA353079.

ClinVar aggregate classification (germline): Uncertain significance (1 of 4 stars; one submission).

Conditions:
Primary dilated cardiomyopathy (DCM). Also called: Dilated Cardiomyopathy. Identifiers: Orphanet 217604, MedGen C0007193, MeSH D002311, MONDO:0005021, HP:0001644. Inheritance: Various modes of inheritance.

Submission:

Cardiovascular Biomedical Research Unit, Royal Brompton & Harefield NHS Foundation Trust
Classification: Uncertain significance for Primary dilated cardiomyopathy. Last evaluated: 2014-10-08. Review status: criteria provided, single submitter. Criteria: Roberts et al. 2015. Collection method: research. Allele origin: germline. Inheritance: Autosomal dominant inheritance. Affected: no. Observed: 1 variant allele. Study: FHS cohort.
Comment: It affects only the Novex-3 isoform, which does not span the sarcomere and has not been implicated in DCM. In the seven cohorts assessed, TTNtv were found in 14% of ambulant DCM, 22% end-stage or familial DCM, and 2% controls. Heterozygous nonsense, frameshift and canonical splice-disrupting variants found in constitutive and other highly utilised exons are highly likely to be pathogenic when identified in individuals with phenotypically confirmed DCM. TTNtv found incidentally in healthy individuals (excluding familial assessment of DCM relatives) are thought to have low penetrance, particularly when identified in exons that are not constitutively expressed in the heart.